The following is an entry in ClinVar:

NM_001365276.2(TNXB):c.4681G>A (p.Ala1561Thr)

Gene: TNXB (tenascin XB; minus strand). Cytogenetic location: 6p21.33.
Variant type: single nucleotide variant.
Coding change: c.4681G>A on transcript NM_001365276.2 (MANE Select); coding-DNA position 4681, G replaced by A.
Protein change: p.Ala1561Thr; replaces alanine 1561 with threonine.
Molecular consequence: missense variant.
Genome position (GRCh38, 1-based): chr6:32,073,647, C>T on the plus strand (G>A on the coding strand, the complement: TNXB is on the minus strand). VCF-style: chr6-32073647-C-T. GRCh37 (hg19) VCF-style: chr6-32041424-C-T.
Other names: c.4681G>A, p.Ala1561Thr (NM_019105.8); short protein forms A1561T.
Identifiers: ClinVar variation 1806809 (VCV001806809.4), dbSNP rs748880911, ClinGen allele CA3734908.

ClinVar aggregate classification (germline): Uncertain significance. Review status: criteria provided, multiple submitters, no conflicts (2 of 4 stars). 3 submissions from 3 submitters: Uncertain significance (3). Last evaluated 2025-06-13.

Conditions:
TNXB-related disorder. Also called: TNXB-related condition.

Allele frequency attached by ClinVar (database versions not stated): ExAC 0.00002.
gnomAD v4.1: 37 of 1,605,238 alleles (0.0023%); highest among the groups gnomAD compares: Non-Finnish European, 0.0031%; no homozygotes.

Submissions (3):

Women's Health and Genetics/Laboratory Corporation of America, LabCorp
Classification: Uncertain significance. Last evaluated: 2025-06-13. Review status: criteria provided, single submitter. Criteria: LabCorp Variant Classification Summary - May 2015. Collection method: clinical testing. Allele origin: germline.
Comment: Variant summary: TNXB c.4681G>A (p.Ala1561Thr) results in a non-conservative amino acid change in the encoded protein sequence. Algorithms developed to predict the effect of missense changes on protein structure and function are either unavailable or do not agree on the potential impact of this missense change. Several computational tools predict a significant impact on normal splicing: Four predict the variant weakens a canonical 5' donor site. However, these predictions have yet to be confirmed by functional studies. The variant allele was found at a frequency of 8.3e-06 in 242390 control chromosomes. The available data on variant occurrences in the general population are insufficient to allow any conclusion about variant significance. To our knowledge, no occurrence of c.4681G>A in individuals affected with Ehlers-Danlos syndrome due to tenascin-X deficiency and no experimental evidence demonstrating its impact on protein function have been reported. ClinVar contains an entry for this variant (Variation ID: 1806809). Based on the evidence outlined above, the variant was classified as uncertain significance.

PreventionGenetics, part of Exact Sciences
Classification: Uncertain significance for TNXB-related condition. Last evaluated: 2024-12-11. Review status: criteria provided, single submitter. Criteria: ACMG Guidelines, 2015. Collection method: clinical testing. Allele origin: germline.
Comment: The TNXB c.4681G>A variant is predicted to result in the amino acid substitution p.Ala1561Thr. To our knowledge, this variant has not been reported in the literature. This variant is reported in 0.0018% of alleles in individuals of European (Non-Finnish) descent in gnomAD. At this time, the clinical significance of this variant is uncertain due to the absence of conclusive functional and genetic evidence.

GeneDx
Classification: Uncertain significance. Last evaluated: 2023-03-27. Review status: criteria provided, single submitter. Criteria: GeneDx Variant Classification Process June 2021. Collection method: clinical testing. Allele origin: germline. Affected: yes.
Comment: Not observed at significant frequency in large population cohorts (gnomAD); In silico analysis supports that this missense variant does not alter protein structure/function; Has not been previously published as pathogenic or benign to our knowledge